The following is an entry in ClinVar:

ClinVar aggregate classification (germline): Uncertain significance (1 of 4 stars; one submission).

Submission:

Labcorp Genetics (formerly Invitae), Labcorp
Classification: Uncertain significance. Last evaluated: 2022-02-02. Review status: criteria provided, single submitter. Criteria: Invitae Variant Classification Sherloc (09022015). Collection method: clinical testing. Allele origin: germline.
Comment: In summary, the available evidence is currently insufficient to determine the role of this variant in disease. Therefore, it has been classified as a Variant of Uncertain Significance. Advanced modeling of protein sequence and biophysical properties (such as structural, functional, and spatial information, amino acid conservation, physicochemical variation, residue mobility, and thermodynamic stability) performed at Invitae indicates that this missense variant is not expected to disrupt GRIN2D protein function. This variant has not been reported in the literature in individuals affected with GRIN2D-related conditions. The frequency data for this variant in the population databases is considered unreliable, as metrics indicate insufficient coverage at this position in the gnomAD database. This sequence change replaces glycine, which is neutral and non-polar, with cysteine, which is neutral and slightly polar, at codon 46 of the GRIN2D protein (p.Gly46Cys).

NM_000836.4(GRIN2D):c.136G>T (p.Gly46Cys)

Genes: GRIN2D (glutamate ionotropic receptor NMDA type subunit 2D; plus strand), LOC130064855 (ATAC-STARR-seq lymphoblastoid silent region 10879; plus strand). Cytogenetic location: 19q13.33.
Variant type: single nucleotide variant.
Coding change: c.136G>T on transcript NM_000836.4 (MANE Select); coding-DNA position 136, G replaced by T.
Protein change: p.Gly46Cys; replaces glycine 46 with cysteine.
Molecular consequence: missense variant.
Genome position (GRCh38, 1-based): chr19:48,398,528, G>T. VCF-style: chr19-48398528-G-T. GRCh37 (hg19) VCF-style: chr19-48901785-G-T.
Other names: short protein forms G46C.
Identifiers: ClinVar variation 1467998 (VCV001467998.8), dbSNP rs2147434269, ClinGen allele CA406688357.
Genomic context (GRCh38, chr19:48,398,528, plus strand): 5'-AGCCCGTTCCCGGAGGAGGCGCCGGGGCCGGGCGGGGCCGGTGGGCCCGGCGGCGGCCTC[G>T]GCGGGGCGCGGCCGCTCAACGTGGCGCTCGTGTTCTCGGGGCCCGCGTACGCGGCCGAGG-3'
Protein context (NP_000827.2, residues 36-56): GGAGGPGGGL[Gly46Cys]GARPLNVALV